The following is an entry in ClinVar:

NM_001042492.3(NF1):c.252G>T (p.Leu84Phe)

Gene: NF1 (neurofibromin 1; plus strand). Cytogenetic location: 17q11.2.
Variant type: single nucleotide variant.
Coding change: c.252G>T on transcript NM_001042492.3 (MANE Select); coding-DNA position 252, G replaced by T.
Protein change: p.Leu84Phe; replaces leucine 84 with phenylalanine.
Molecular consequence: missense variant.
Genome position (GRCh38, 1-based): chr17:31,159,057, G>T. VCF-style: chr17-31159057-G-T. GRCh37 (hg19) VCF-style: chr17-29486075-G-T.
Other names: c.252G>T, p.Leu84Phe (NM_000267.4, NM_001128147.3); short protein forms L84F.
Identifiers: ClinVar variation 821439 (VCV000821439.8), dbSNP rs1597629835, ClinGen allele CA398989683.

ClinVar aggregate classification (germline): Uncertain significance. Review status: criteria provided, multiple submitters, no conflicts (2 of 4 stars). 3 submissions from 3 submitters: Uncertain significance (3). Last evaluated 2025-04-15.

Conditions:
Neurofibromatosis, type 1 (NF1). Also called: Peripheral type neurofibromatosis; Neurofibromatosis, type I; NEUROFIBROMATOSIS, TYPE I, SOMATIC; VON RECKLINGHAUSEN DISEASE. Identifiers: Orphanet 636, MedGen C0027831, MONDO:0018975, OMIM 162200. Disease mechanism: loss of function.
Hereditary cancer-predisposing syndrome. Also called: Hereditary Cancer Syndrome; Neoplastic Syndromes, Hereditary; Hereditary neoplastic syndrome; Tumor predisposition. Identifiers: Orphanet 140162, MedGen C0027672, MeSH D009386, MONDO:0015356.
Cardiovascular phenotype. Identifiers: MedGen CN230736.

Allele frequency attached by ClinVar (database versions not stated): gnomAD exomes below 0.00001.
gnomAD v4.1: 1 of 1,608,808 alleles (0.000062%); highest among the groups gnomAD compares: Non-Finnish European, 0.000085%; no homozygotes.

Submissions (3):

Ambry Genetics
Classification: Uncertain significance for Cardiovascular phenotype; Hereditary cancer-predisposing syndrome. Last evaluated: 2025-04-15. Review status: criteria provided, single submitter. Criteria: Ambry Variant Classification Scheme 2023. Collection method: clinical testing. Allele origin: germline.
Comment: The p.L84F variant (also known as c.252G>T), located in coding exon 3 of the NF1 gene, results from a G to T substitution at nucleotide position 252. The leucine at codon 84 is replaced by phenylalanine, an amino acid with highly similar properties. This amino acid position is highly conserved in available vertebrate species. In addition, the in silico prediction for this alteration is inconclusive. Based on the available evidence, the clinical significance of this variant remains unclear.

Women's Health and Genetics/Laboratory Corporation of America, LabCorp
Classification: Uncertain significance. Last evaluated: 2024-04-18. Review status: criteria provided, single submitter. Criteria: LabCorp Variant Classification Summary - May 2015. Collection method: clinical testing. Allele origin: germline.

Labcorp Genetics (formerly Invitae), Labcorp
Classification: Uncertain significance for Neurofibromatosis, type 1. Last evaluated: 2023-11-02. Review status: criteria provided, single submitter. Criteria: Invitae Variant Classification Sherloc (09022015). Collection method: clinical testing. Allele origin: germline.
Comment: This sequence change replaces leucine, which is neutral and non-polar, with phenylalanine, which is neutral and non-polar, at codon 84 of the NF1 protein (p.Leu84Phe). This variant is not present in population databases (gnomAD no frequency). This variant has not been reported in the literature in individuals affected with NF1-related conditions. ClinVar contains an entry for this variant (Variation ID: 821439). Advanced modeling of protein sequence and biophysical properties (such as structural, functional, and spatial information, amino acid conservation, physicochemical variation, residue mobility, and thermodynamic stability) performed at Invitae indicates that this missense variant is expected to disrupt NF1 protein function with a positive predictive value of 95%. In summary, the available evidence is currently insufficient to determine the role of this variant in disease. Therefore, it has been classified as a Variant of Uncertain Significance.